The following is an entry in ClinVar:

ClinVar aggregate classification (germline): Benign. Review status: criteria provided, multiple submitters, no conflicts (2 of 4 stars). 3 submissions from 3 submitters: Benign (3). Last evaluated 2023-11-12.

Allele frequency attached by ClinVar (database versions not stated): 1000 Genomes Project 0.08267; 1000 Genomes Project 30x 0.08401; TOPMed 0.11764; ESP Exome Variant Server 0.11987; gnomAD 0.12078 and 0.12249; ExAC 0.13510; gnomAD exomes 0.13994 and 0.15001.
gnomAD v4.1: 236,075 of 1,608,716 alleles (15%); highest among the groups gnomAD compares: Admixed American, 18%; 18,821 homozygotes.

Submissions (3):

Unidad de Genómica Garrahan, Hospital de Pediatría Garrahan
Classification: Benign. Last evaluated: 2023-11-12. Review status: criteria provided, single submitter. Criteria: ACMG Guidelines, 2015. Collection method: clinical testing. Allele origin: germline. Affected: no. Observed: 31 variant alleles.
Comment: This variant is classified as Benign based on local population frequency. This variant was detected in 32% of patients studied by a panel of primary immunodeficiencies. Number of patients: 31. Only high quality variants are reported.

GeneDx
Classification: Benign. Last evaluated: 2018-06-26. Review status: criteria provided, single submitter. Criteria: GeneDx Variant Classification Process June 2021. Collection method: clinical testing. Allele origin: germline. Affected: yes.

Breakthrough Genomics
Classification: Benign. Review status: criteria provided, single submitter. Criteria: ACMG Guidelines, 2015. Collection method: not provided. Allele origin: germline. Inheritance: Autosomal recessive inheritance. Affected: yes.

NM_203447.4(DOCK8):c.895-26T>C

Gene: DOCK8 (dedicator of cytokinesis 8; plus strand). Cytogenetic location: 9p24.3.
Variant type: single nucleotide variant.
Coding change: c.895-26T>C on transcript NM_203447.4 (MANE Select); 26 bases into the intron before coding-DNA position 895, T replaced by C.
Molecular consequence: intron variant.
Genome position (GRCh38, 1-based): chr9:327,996, T>C. VCF-style: chr9-327996-T-C. GRCh37 (hg19) VCF-style: chr9-327996-T-C.
Other names: c.691-26T>C (NM_001193536.2, NM_001190458.2).
Identifiers: ClinVar variation 1242277 (VCV001242277.5), dbSNP rs2296827, ClinGen allele CA4957520.